The following is an entry in ClinVar:

ClinVar aggregate classification (germline): Uncertain significance (1 of 4 stars; one submission).

Allele frequency attached by ClinVar (database versions not stated): gnomAD exomes below 0.00001.
gnomAD v4.1: 1 of 1,612,418 alleles (0.000062%); highest among the groups gnomAD compares: Non-Finnish European, 0.000085%; no homozygotes.

Submission:

CeGaT Center for Human Genetics Tuebingen
Classification: Uncertain significance. Last evaluated: 2022-12-01. Review status: criteria provided, single submitter. Criteria: CeGaT Center For Human Genetics Tuebingen Variant Classification Criteria Version 2. Collection method: clinical testing. Allele origin: germline. Affected: yes. Observed: 1 variant allele.
Comment: TTN: PM2, BP4

NM_001267550.2(TTN):c.89641G>A (p.Gly29881Ser)

Genes: TTN (titin; minus strand), TTN-AS1 (TTN antisense RNA 1; plus strand). Cytogenetic location: 2q31.2.
Variant type: single nucleotide variant.
Coding change: c.89641G>A on transcript NM_001267550.2 (MANE Select); coding-DNA position 89641, G replaced by A.
Protein change: p.Gly29881Ser; replaces glycine 29881 with serine.
Molecular consequence: missense variant.
Genome position (GRCh38, 1-based): chr2:178,553,259, C>T on the plus strand (G>A on the coding strand, the complement: TTN is on the minus strand). VCF-style: chr2-178553259-C-T. GRCh37 (hg19) VCF-style: chr2-179417986-C-T.
Other names: c.84718G>A, p.Gly28240Ser (NM_001256850.1); c.62446G>A, p.Gly20816Ser (NM_003319.4); c.81937G>A, p.Gly27313Ser (NM_133378.4); c.62821G>A, p.Gly20941Ser (NM_133432.3); c.63022G>A, p.Gly21008Ser (NM_133437.4); short protein forms G20816S, G20941S, G21008S, G27313S, G28240S, G29881S.
Identifiers: ClinVar variation 1879497 (VCV001879497.29), dbSNP rs2469319231, ClinGen allele CA349517184.
Genomic context (GRCh38, chr2:178,553,259, plus strand): 5'-GAGGAATGGTGAGTAATGAGGATGAATCAGTGTTTTCAATGCTGTATCTGGCATCACTGC[C>T]AAGATTCTTCTCATCTTTTCTCCATGTGACAGTAGGTGGAGGTCTGCCTTTAAAGGGAAT-3'
Protein context (NP_001254479.2, residues 29871-29891): VTWRKDEKNL[Gly29881Ser]SDARYSIENT